The following is an entry in ClinVar:

NM_001365276.2(TNXB):c.935C>T (p.Pro312Leu)

Gene: TNXB (tenascin XB; minus strand). Cytogenetic location: 6p21.33.
Variant type: single nucleotide variant.
Coding change: c.935C>T on transcript NM_001365276.2 (MANE Select); coding-DNA position 935, C replaced by T.
Protein change: p.Pro312Leu; replaces proline 312 with leucine.
Molecular consequence: missense variant.
Genome position (GRCh38, 1-based): chr6:32,096,918, G>A on the plus strand (C>T on the coding strand, the complement: TNXB is on the minus strand). VCF-style: chr6-32096918-G-A. GRCh37 (hg19) VCF-style: chr6-32064695-G-A.
Other names: c.935C>T, p.Pro312Leu (NM_019105.8); short protein forms P312L.
Identifiers: ClinVar variation 1217761 (VCV001217761.9), dbSNP rs768599858, ClinGen allele CA3735761.

ClinVar aggregate classification (germline): Conflicting classifications of pathogenicity. Review status: criteria provided, conflicting classifications (1 of 4 stars). 3 submissions from 3 submitters: Uncertain significance (2); Likely benign (1). Last evaluated 2025-05-26.

Conditions:
Cardiovascular phenotype. Identifiers: MedGen CN230736.

gnomAD v4.1: 10 of 1,579,910 alleles (0.00063%); highest among the groups gnomAD compares: Non-Finnish European, 0.00087%; no homozygotes.

Submissions (3):

Women's Health and Genetics/Laboratory Corporation of America, LabCorp
Classification: Uncertain significance. Last evaluated: 2025-05-26. Review status: criteria provided, single submitter. Criteria: LabCorp Variant Classification Summary - May 2015. Collection method: clinical testing. Allele origin: germline.
Comment: Variant summary: TNXB c.935C>T (p.Pro312Leu) results in a non-conservative amino acid change in the encoded protein sequence. Algorithms developed to predict the effect of missense changes on protein structure and function are either unavailable or do not agree on the potential impact of this missense change. The variant allele was found at a frequency of 1.2e-05 in 242726 control chromosomes. The available data on variant occurrences in the general population are insufficient to allow any conclusion about variant significance. To our knowledge, no occurrence of c.935C>T in individuals affected with Ehlers-Danlos syndrome due to tenascin-X deficiency and no experimental evidence demonstrating its impact on protein function have been reported. ClinVar contains an entry for this variant (Variation ID: 1217761). Based on the evidence outlined above, the variant was classified as uncertain significance.

Ambry Genetics
Classification: Likely benign for Cardiovascular phenotype. Last evaluated: 2024-10-05. Review status: criteria provided, single submitter. Criteria: Ambry Variant Classification Scheme 2023. Collection method: clinical testing. Allele origin: germline.

GeneDx
Classification: Uncertain significance. Last evaluated: 2023-09-22. Review status: criteria provided, single submitter. Criteria: GeneDx Variant Classification Process June 2021. Collection method: clinical testing. Allele origin: germline. Affected: yes.
Comment: Has not been previously published as pathogenic or benign to our knowledge; Not observed at significant frequency in large population cohorts (gnomAD); In silico analysis supports that this missense variant has a deleterious effect on protein structure/function